The following is an entry in ClinVar:

NM_000429.3(MAT1A):c.595C>A (p.Arg199Ser)

Gene: MAT1A (methionine adenosyltransferase 1A; minus strand). Cytogenetic location: 10q22.3.
Variant type: single nucleotide variant.
Coding change: c.595C>A on transcript NM_000429.3 (MANE Select); coding-DNA position 595, C replaced by A.
Protein change: p.Arg199Ser; replaces arginine 199 with serine.
Molecular consequence: missense variant.
Genome position (GRCh38, 1-based): chr10:80,276,549, G>T on the plus strand (C>A on the coding strand, the complement: MAT1A is on the minus strand). VCF-style: chr10-80276549-G-T. GRCh37 (hg19) VCF-style: chr10-82036305-G-T.
Other names: short protein forms R199S.
Identifiers: ClinVar variation 5036995 (VCV005036995.1).

ClinVar aggregate classification (germline): Uncertain significance (1 of 4 stars; one submission).

gnomAD v4.1: 2 of 1,613,676 alleles (0.00012%); highest among the groups gnomAD compares: Non-Finnish European, 0.00017%; no homozygotes.

Submission:

GeneDx
Classification: Uncertain significance. Last evaluated: 2026-04-16. Review status: criteria provided, single submitter. Criteria: GeneDx Variant Classification Process June 2021. Collection method: clinical testing. Allele origin: germline.
Comment: Not observed at significant frequency in large population cohorts (gnomAD); In silico analysis supports that this missense variant has a deleterious effect on protein structure/function; Has not been previously published as pathogenic or benign to our knowledge